The following is an entry in ClinVar:

ClinVar aggregate classification (germline): Uncertain significance (1 of 4 stars; one submission).

Submission:

Labcorp Genetics (formerly Invitae), Labcorp
Classification: Uncertain significance. Last evaluated: 2024-08-21. Review status: criteria provided, single submitter. Criteria: Invitae Variant Classification Sherloc (09022015). Collection method: clinical testing. Allele origin: germline.
Comment: This sequence change replaces arginine, which is basic and polar, with cysteine, which is neutral and slightly polar, at codon 426 of the PRKCSH protein (p.Arg426Cys). This variant is present in population databases (rs748221415, gnomAD 0.01%). This variant has not been reported in the literature in individuals affected with PRKCSH-related conditions. An algorithm developed to predict the effect of missense changes on protein structure and function (PolyPhen-2) suggests that this variant is likely to be disruptive. In summary, the available evidence is currently insufficient to determine the role of this variant in disease. Therefore, it has been classified as a Variant of Uncertain Significance.

NM_001289104.2(PRKCSH):c.1297C>T (p.Arg433Cys)

Gene: PRKCSH (PRKCSH beta subunit of glucosidase II; plus strand). Cytogenetic location: 19p13.2.
Variant type: single nucleotide variant.
Coding change: c.1297C>T on transcript NM_001289104.2 (MANE Select); coding-DNA position 1297, C replaced by T.
Protein change: p.Arg433Cys; replaces arginine 433 with cysteine.
Molecular consequence: missense variant.
Genome position (GRCh38, 1-based): chr19:11,448,924, C>T. VCF-style: chr19-11448924-C-T. GRCh37 (hg19) VCF-style: chr19-11559739-C-T.
Other names: c.1267C>T, p.Arg423Cys (NM_001001329.3, NM_001289102.2, NM_001379609.1); c.1297C>T, p.Arg433Cys (NM_001289103.2); c.1276C>T, p.Arg426Cys (NM_001379608.1, NM_002743.3); short protein forms R423C, R426C, R433C.
Identifiers: ClinVar variation 3608522 (VCV003608522.2).